The following is an entry in ClinVar:

NM_000135.4(FANCA):c.4261C>T (p.Leu1421=)

Genes: FANCA (FA complementation group A; minus strand), ZNF276 (zinc finger protein 276; plus strand). Cytogenetic location: 16q24.3.
Variant type: single nucleotide variant.
Coding change: c.4261C>T on transcript NM_000135.4 (MANE Select); coding-DNA position 4261, C replaced by T.
Protein change: p.Leu1421=; no amino-acid change (leucine 1421 retained).
Molecular consequence: synonymous variant. On other transcripts: missense variant (1), 3 prime UTR variant (2), non-coding transcript variant (4).
Genome position (GRCh38, 1-based): chr16:89,738,708, G>A on the plus strand (C>T on the coding strand, the complement: FANCA is on the minus strand). VCF-style: chr16-89738708-G-A. GRCh37 (hg19) VCF-style: chr16-89805116-G-A.
Other names: c.4265C>T, p.Ala1422Val (NM_001286167.3); c.*462G>A (NM_001113525.2, NM_152287.4); short protein forms A1422V.
Identifiers: ClinVar variation 3067278 (VCV003067278.21), dbSNP rs2062031966, ClinGen allele CA397483167.

ClinVar aggregate classification (germline): Likely benign. Review status: criteria provided, multiple submitters, no conflicts (2 of 4 stars). 2 submissions from 2 submitters: Likely benign (2). Last evaluated 2025-05-01.

Conditions:
Inborn genetic diseases. Identifiers: MedGen C0950123, MeSH D030342.

gnomAD v4.1: 4 of 1,613,888 alleles (0.00025%); highest among the groups gnomAD compares: South Asian, 0.0011%; no homozygotes.

Submissions (2):

Ambry Genetics
Classification: Likely benign for Inborn genetic diseases. Last evaluated: 2025-05-01. Review status: criteria provided, single submitter. Criteria: Ambry Variant Classification Scheme 2023. Collection method: clinical testing. Allele origin: germline.

CeGaT Center for Human Genetics Tuebingen
Classification: Likely benign. Last evaluated: 2024-03-01. Review status: criteria provided, single submitter. Criteria: CeGaT Center For Human Genetics Tuebingen Variant Classification Criteria Version 2. Collection method: clinical testing. Allele origin: germline. Affected: yes. Observed: 1 variant allele.
Comment: FANCA: PM2:Supporting, BP4, BP7